The following is an entry in ClinVar:

ClinVar aggregate classification (germline): Uncertain significance (1 of 4 stars; one submission).

Conditions:
Intellectual developmental disorder, X-linked 97. Also called: Intellectual disability, X-linked 97. Identifiers: Orphanet 777, MedGen C2749020, MONDO:0010430, OMIM 300803.

Submission:

3billion
Classification: Uncertain significance for Intellectual developmental disorder, X-linked 97. Last evaluated: 2024-12-20. Review status: criteria provided, single submitter. Criteria: ACMG Guidelines, 2015. Collection method: clinical testing. Allele origin: germline. Affected: yes.
Comment: The variant is not observed in the gnomAD v4.1.0 dataset. Predicted Consequence/Location: Missense variant. The majority of the known disease-causing variants of this gene are variants expected to result in premature termination of the protein. In silico tool predictions suggest damaging effect of the variant on gene or gene product [3Cnet: 0.89 (>=0.6, sensitivity 0.72 and precision 0.9)]. Therefore, this variant is classified as VUS according to the recommendation of ACMG/AMP guideline.

NM_001330574.2(ZNF711):c.2269T>A (p.Tyr757Asn)

Gene: ZNF711 (ZFX family zinc finger ZNF711; plus strand). Cytogenetic location: Xq21.1.
Variant type: single nucleotide variant.
Coding change: c.2269T>A on transcript NM_001330574.2 (MANE Select); coding-DNA position 2269, T replaced by A.
Protein change: p.Tyr757Asn; replaces tyrosine 757 with asparagine.
Molecular consequence: missense variant.
Genome position (GRCh38, 1-based): chrX:85,271,673, T>A. VCF-style: chrX-85271673-T-A. GRCh37 (hg19) VCF-style: chrX-84526679-T-A.
Other names: c.2269T>A, p.Tyr757Asn (NM_001375431.1, NM_001375432.1, NM_001375433.1); c.2131T>A, p.Tyr711Asn (NM_001375434.1, NM_001375435.1, NM_001375436.1 and 2 more transcripts); short protein forms Y711N, Y757N.
Identifiers: ClinVar variation 4292931 (VCV004292931.1).